The following is an entry in ClinVar:

NM_000169.3(GLA):c.643A>G (p.Asn215Asp)

Genes: GLA (galactosidase alpha; minus strand), RPL36A-HNRNPH2 (RPL36A-HNRNPH2 readthrough; plus strand). Cytogenetic location: Xq22.1.
Variant type: single nucleotide variant.
Coding change: c.643A>G on transcript NM_000169.3 (MANE Select); coding-DNA position 643, A replaced by G.
Protein change: p.Asn215Asp; replaces asparagine 215 with aspartic acid.
Molecular consequence: missense variant. On other transcripts: non-coding transcript variant (3), intron variant (2).
Genome position (GRCh38, 1-based): chrX:101,398,943, T>C on the plus strand (A>G on the coding strand, the complement: GLA is on the minus strand). VCF-style: chrX-101398943-T-C. GRCh37 (hg19) VCF-style: chrX-100653931-T-C.
Other names: c.766A>G, p.Asn256Asp (NM_001406747.1); c.643A>G, p.Asn215Asp (NM_001406748.1); c.300+3486T>C (NM_001199973.2); c.177+7121T>C (NM_001199974.2); short protein forms N215D, N256D.
Identifiers: ClinVar variation 4087448 (VCV004087448.2).

ClinVar aggregate classification (germline): Uncertain significance (1 of 4 stars; one submission).

Conditions:
Fabry disease. Also called: ALPHA-GALACTOSIDASE A DEFICIENCY; ANDERSON-FABRY DISEASE; CERAMIDE TRIHEXOSIDASE DEFICIENCY; GLA DEFICIENCY; HEREDITARY DYSTOPIC LIPIDOSIS; Angiokeratoma corporis diffusum. Identifiers: Orphanet 324, MedGen C0002986, MONDO:0010526, OMIM 301500, HP:0001071. Disease mechanism: Fabry disease is due to inactivating mutations in the X-linked GLA gene resulting in deficiency of the enzyme Alpha Galactosidase-A., loss of function.

Submission:

Genomenon, Inc
Classification: Uncertain significance for Fabry disease. Last evaluated: 2026-09-08. Review status: criteria provided, single submitter. Criteria: Genomenon Sequence Variant Interpretation Standards - Updated. Collection method: curation. Allele origin: germline. Affected: no.
Comment: GLA p.Asn215Asp (c.643A>G) is a missense variant that changes the amino acid at codon 215 from Asparagine to Aspartic acid. This variant has been reported in the published literature (PMID:32995357;31036492;27657681). It is absent or not present at a significant frequency in gnomAD. In conclusion, we classify GLA p.Asn215Asp (c.643A>G) as a variant of uncertain significance.

Literature cited by the submitters: PubMed 32995357; PubMed 31036492; PubMed 27657681.